The following is an entry in ClinVar:

ClinVar aggregate classification (germline): Uncertain significance (1 of 4 stars; one submission).

Conditions:
Cardiovascular phenotype. Identifiers: MedGen CN230736.

gnomAD v4.1: 1 of 1,612,322 alleles (0.000062%); highest among the groups gnomAD compares: Non-Finnish European, 0.000085%; no homozygotes.

Submission:

Ambry Genetics
Classification: Uncertain significance for Cardiovascular phenotype. Last evaluated: 2021-07-01. Review status: criteria provided, single submitter. Criteria: Ambry Variant Classification Scheme 2023. Collection method: clinical testing. Allele origin: germline.
Comment: The p.G2532E variant (also known as c.7595G>A), located in coding exon 21 of the TNXB gene, results from a G to A substitution at nucleotide position 7595. The glycine at codon 2532 is replaced by glutamic acid, an amino acid with similar properties. This amino acid position is conserved. In addition, this alteration is predicted to be tolerated by in silico analysis. Since supporting evidence is limited at this time, the clinical significance of this alteration remains unclear.

NM_001365276.2(TNXB):c.7595G>A (p.Gly2532Glu)

Gene: TNXB (tenascin XB; minus strand). Cytogenetic location: 6p21.33.
Variant type: single nucleotide variant.
Coding change: c.7595G>A on transcript NM_001365276.2 (MANE Select); coding-DNA position 7595, G replaced by A.
Protein change: p.Gly2532Glu; replaces glycine 2532 with glutamic acid.
Molecular consequence: missense variant.
Genome position (GRCh38, 1-based): chr6:32,058,288, C>T on the plus strand (G>A on the coding strand, the complement: TNXB is on the minus strand). VCF-style: chr6-32058288-C-T. GRCh37 (hg19) VCF-style: chr6-32026065-C-T.
Other names: c.7595G>A, p.Gly2532Glu (NM_019105.8); short protein forms G2532E.
Identifiers: ClinVar variation 1759669 (VCV001759669.2), dbSNP rs1359147049, ClinGen allele CA363551566.
Genomic context (GRCh38, chr6:32,058,288, plus strand): 5'-AAGGAGTCAAAGCGGCCCTGGGGGACGGTCCAGGAAAGGCTCAGCGAGTCAGGGGAGGAT[C>T]CTGTCACTGTCAGCTCCCCCAGGAGAGGCTCCTCGGGGGGCCCTGGGGCCTCTGTGCCTG-3'
Protein context (NP_001352205.1, residues 2522-2542): EPLLGELTVT[Gly2532Glu]SSPDSLSLSW